The following is an entry in ClinVar:

ClinVar aggregate classification (germline): Likely benign. Review status: criteria provided, multiple submitters, no conflicts (2 of 4 stars). 3 submissions from 3 submitters: Likely benign (2). 1 of the submissions does not count toward it. Last evaluated 2026-02-06.

Conditions:
OPA1-related disorder. Also called: OPA1-related condition; OPA1-related disorders.

Allele frequency attached by ClinVar (database versions not stated): gnomAD exomes below 0.00001 and 0.00002; gnomAD 0.00002; TOPMed 0.00002.
gnomAD v4.1: 10 of 1,602,908 alleles (0.00062%); highest among the groups gnomAD compares: Admixed American, 0.01%; no homozygotes.

Submissions (3):

Women's Health and Genetics/Laboratory Corporation of America, LabCorp
Classification: Likely benign. Last evaluated: 2026-02-06. Review status: criteria provided, single submitter. Criteria: LabCorp Variant Classification Summary - May 2015. Collection method: clinical testing. Allele origin: germline.

Labcorp Genetics (formerly Invitae), Labcorp
Classification: Likely benign. Last evaluated: 2026-02-01. Review status: criteria provided, single submitter. Criteria: Invitae Variant Classification Sherloc (09022015). Collection method: clinical testing. Allele origin: germline.

PreventionGenetics, part of Exact Sciences
Classification: Likely benign for OPA1-related condition. Last evaluated: 2019-06-07. Review status: no assertion criteria provided. Collection method: clinical testing. Allele origin: germline. Not counted in ClinVar's aggregate classification.
Comment: This variant is classified as likely benign based on ACMG/AMP sequence variant interpretation guidelines (Richards et al. 2015 PMID: 25741868, with internal and published modifications).

NM_130837.3(OPA1):c.351+8T>C

Gene: OPA1 (OPA1 mitochondrial dynamin like GTPase; plus strand). Cytogenetic location: 3q29.
Variant type: single nucleotide variant.
Coding change: c.351+8T>C on transcript NM_130837.3 (MANE Select); 8 bases into the intron after coding-DNA position 351, T replaced by C.
Molecular consequence: intron variant.
Genome position (GRCh38, 1-based): chr3:193,615,049, T>C. VCF-style: chr3-193615049-T-C. GRCh37 (hg19) VCF-style: chr3-193332838-T-C.
Other names: c.-22+8T>C (NM_001354664.2, NM_001354663.2); c.351+8T>C (NM_130834.3, NM_130836.3, NM_015560.3 and 5 more transcripts).
Identifiers: ClinVar variation 1572301 (VCV001572301.8), dbSNP rs1016013021, ClinGen allele CA90567420.